The following is an entry in ClinVar:

ClinVar aggregate classification (germline): Pathogenic. Review status: reviewed by expert panel (3 of 4 stars). 3 submissions from 3 submitters: Pathogenic (1). 2 of the submissions do not count toward it. Last evaluated 2016-09-08.

Conditions:
Breast-ovarian cancer, familial, susceptibility to, 2 (BROVCA2). Also called: BRCA2 Hereditary Breast and Ovarian Cancer. Identifiers: Orphanet 145, MedGen C2675520, MONDO:0012933, OMIM 612555. Disease mechanism: loss of function.

Submissions (3):

Evidence-based Network for the Interpretation of Germline Mutant Alleles (ENIGMA)
Classification: Pathogenic for Breast-ovarian cancer, familial, susceptibility to, 2. Last evaluated: 2016-09-08. Review status: reviewed by expert panel. Criteria: ENIGMA BRCA1/2 Classification Criteria (2015). Collection method: curation. Allele origin: germline.
Comment: Variant allele predicted to encode a truncated non-functional protein.

Genome Diagnostics Laboratory, University Medical Center Utrecht
Classification: Pathogenic for Breast-ovarian cancer, familial, susceptibility to, 2. Last evaluated: 2014-10-08. Review status: criteria provided, single submitter. Criteria: ACGS Guidelines, 2013. Collection method: clinical testing. Allele origin: germline. Affected: yes. Study: VKGL Data-share Consensus. Not counted in ClinVar's aggregate classification.

Diagnostic Laboratory, Department of Genetics, University Medical Center Groningen
Classification: Pathogenic for Breast-ovarian cancer, familial, susceptibility to, 2. Review status: no assertion criteria provided. Collection method: clinical testing. Allele origin: germline. Affected: yes. Study: VKGL Data-share Consensus. Not counted in ClinVar's aggregate classification.

NM_000059.4(BRCA2):c.8911A>T (p.Lys2971Ter)

Gene: BRCA2 (BRCA2 DNA repair associated; plus strand). Cytogenetic location: 13q13.1.
Variant type: single nucleotide variant.
Coding change: c.8911A>T on transcript NM_000059.4 (MANE Select); coding-DNA position 8911, A replaced by T.
Protein change: p.Lys2971Ter; replaces lysine 2971 with a stop codon.
Molecular consequence: nonsense.
Genome position (GRCh38, 1-based): chr13:32,379,473, A>T. VCF-style: chr13-32379473-A-T. GRCh37 (hg19) VCF-style: chr13-32953610-A-T.
Other names: short protein forms K2971*.
Identifiers: ClinVar variation 254628 (VCV000254628.3), dbSNP rs886038187, ClinGen allele CA10586593.